The following is an entry in ClinVar:

ClinVar aggregate classification (germline): Likely benign. Review status: criteria provided, multiple submitters, no conflicts (2 of 4 stars). 2 submissions from 2 submitters: Likely benign (2). Last evaluated 2026-07-01.

Allele frequency attached by ClinVar (database versions not stated): 1000 Genomes Project 0.00060; 1000 Genomes Project 30x 0.00062; ExAC 0.00073; gnomAD 0.00074 and 0.00079; TOPMed 0.00077; gnomAD exomes 0.00082; ESP Exome Variant Server 0.00100.
gnomAD v4.1: 2,171 of 1,614,104 alleles (0.13%); highest among the groups gnomAD compares: Non-Finnish European, 0.16%; 3 homozygotes.

Submissions (2):

CeGaT Center for Human Genetics Tuebingen
Classification: Likely benign. Last evaluated: 2026-07-01. Review status: criteria provided, single submitter. Criteria: CeGaT Center For Human Genetics Tuebingen Variant Classification Criteria Version 2. Collection method: clinical testing. Allele origin: germline. Affected: yes. Observed: 3 variant alleles.
Comment: AGO1: BP4, BP7

Labcorp Genetics (formerly Invitae), Labcorp
Classification: Likely benign. Last evaluated: 2018-05-02. Review status: criteria provided, single submitter. Criteria: Invitae Variant Classification Sherloc (09022015). Collection method: clinical testing. Allele origin: germline.

NM_012199.5(AGO1):c.1923C>G (p.Ser641=)

Gene: AGO1 (argonaute RISC component 1; plus strand). Cytogenetic location: 1p34.3.
Variant type: single nucleotide variant.
Coding change: c.1923C>G on transcript NM_012199.5 (MANE Select); coding-DNA position 1923, C replaced by G.
Protein change: p.Ser641=; no amino-acid change (serine 641 retained).
Molecular consequence: synonymous variant.
Genome position (GRCh38, 1-based): chr1:35,915,437, C>G. VCF-style: chr1-35915437-C-G. GRCh37 (hg19) VCF-style: chr1-36381038-C-G.
Other names: c.1923C>G, p.Ser641= (NM_001317122.2); c.1698C>G, p.Ser566= (NM_001317123.2).
Identifiers: ClinVar variation 717672 (VCV000717672.11), dbSNP rs148568098, ClinGen allele CA763320.